The following is an entry in ClinVar:

NM_001111.5(ADAR):c.2398G>A (p.Glu800Lys)

Gene: ADAR (adenosine deaminase RNA specific; minus strand). Cytogenetic location: 1q21.3.
Variant type: single nucleotide variant.
Coding change: c.2398G>A on transcript NM_001111.5 (MANE Select); coding-DNA position 2398, G replaced by A.
Protein change: p.Glu800Lys; replaces glutamic acid 800 with lysine.
Molecular consequence: missense variant.
Genome position (GRCh38, 1-based): chr1:154,590,282, C>T on the plus strand (G>A on the coding strand, the complement: ADAR is on the minus strand). VCF-style: chr1-154590282-C-T. GRCh37 (hg19) VCF-style: chr1-154562758-C-T.
Other names: c.1513G>A, p.Glu505Lys (NM_001025107.3, NM_001193495.2, NM_001365046.1 and 3 more transcripts); c.2425G>A, p.Glu809Lys (NM_001365045.1); c.2398G>A, p.Glu800Lys (NM_015840.4); c.2341G>A, p.Glu781Lys (NM_015841.4); short protein forms E800K, E781K, E505K, E809K.
Identifiers: ClinVar variation 2922635 (VCV002922635.3), dbSNP rs2526523888, ClinGen allele CA342637337.

ClinVar aggregate classification (germline): Uncertain significance (1 of 4 stars; one submission).

Conditions:
Symmetrical dyschromatosis of extremities (DSH). Also called: DYSCHROMATOSIS SYMMETRICA HEREDITARIA 1; RETICULATE ACROPIGMENTATION OF DOHI; SYMMETRIC DYSCHROMATOSIS OF THE EXTREMITIES; Dyschromatosis symmetrica hereditaria. Identifiers: Orphanet 41, MedGen C0406775, MONDO:0007483, OMIM 127400.
Aicardi-Goutieres syndrome 6 (AGS6). Identifiers: Orphanet 51, MedGen C3539013, MONDO:0014007, OMIM 615010.

Submission:

Labcorp Genetics (formerly Invitae), Labcorp
Classification: Uncertain significance for Aicardi-Goutieres syndrome 6; Symmetrical dyschromatosis of extremities. Last evaluated: 2024-03-15. Review status: criteria provided, single submitter. Criteria: Invitae Variant Classification Sherloc (09022015). Collection method: clinical testing. Allele origin: germline.
Comment: This sequence change replaces glutamic acid, which is acidic and polar, with lysine, which is basic and polar, at codon 800 of the ADAR protein (p.Glu800Lys). This variant is not present in population databases (gnomAD no frequency). This variant has not been reported in the literature in individuals affected with ADAR-related conditions. Advanced modeling of protein sequence and biophysical properties (such as structural, functional, and spatial information, amino acid conservation, physicochemical variation, residue mobility, and thermodynamic stability) performed at Invitae indicates that this missense variant is not expected to disrupt ADAR protein function with a negative predictive value of 80%. In summary, the available evidence is currently insufficient to determine the role of this variant in disease. Therefore, it has been classified as a Variant of Uncertain Significance.